The following is an entry in ClinVar:

ClinVar aggregate classification (germline): Uncertain significance (1 of 4 stars; one submission).

Conditions:
Hypertrophic cardiomyopathy. Also called: HYPERTROPHIC MYOCARDIOPATHY. Identifiers: Orphanet 217569, MedGen C0007194, MeSH D002312, MONDO:0005045, HP:0001639.

Allele frequency attached by ClinVar (database versions not stated): ExAC 0.00001; gnomAD 0.00001; gnomAD exomes 0.00001 and 0.00005; TOPMed 0.00001.
gnomAD v4.1: 68 of 1,611,970 alleles (0.0042%); highest among the groups gnomAD compares: Non-Finnish European, 0.0056%; no homozygotes.

Submission:

Labcorp Genetics (formerly Invitae), Labcorp
Classification: Uncertain significance for Hypertrophic cardiomyopathy. Last evaluated: 2024-12-20. Review status: criteria provided, single submitter. Criteria: Invitae Variant Classification Sherloc (09022015). Collection method: clinical testing. Allele origin: germline.
Comment: This sequence change replaces glutamic acid, which is acidic and polar, with alanine, which is neutral and non-polar, at codon 505 of the MYOM1 protein (p.Glu505Ala). This variant is present in population databases (rs777964604, gnomAD 0.002%). This missense change has been observed in individual(s) with clinical features of hypertrophic cardiomyopathy or dilated cardiomyopathy (PMID: 27600940, 28986455). ClinVar contains an entry for this variant (Variation ID: 1440669). Invitae Evidence Modeling of protein sequence and biophysical properties (such as structural, functional, and spatial information, amino acid conservation, physicochemical variation, residue mobility, and thermodynamic stability) has been performed for this missense variant. However, the output from this modeling did not meet the statistical confidence thresholds required to predict the impact of this variant on MYOM1 protein function. In summary, the available evidence is currently insufficient to determine the role of this variant in disease. Therefore, it has been classified as a Variant of Uncertain Significance.

Literature cited by the submitters: PubMed 27600940; PubMed 28986455.

NM_003803.4(MYOM1):c.1514A>C (p.Glu505Ala)

Gene: MYOM1 (myomesin 1; minus strand). Cytogenetic location: 18p11.31.
Variant type: single nucleotide variant.
Coding change: c.1514A>C on transcript NM_003803.4 (MANE Select); coding-DNA position 1514, A replaced by C.
Protein change: p.Glu505Ala; replaces glutamic acid 505 with alanine.
Molecular consequence: missense variant.
Genome position (GRCh38, 1-based): chr18:3,155,076, T>G on the plus strand (A>C on the coding strand, the complement: MYOM1 is on the minus strand). VCF-style: chr18-3155076-T-G. GRCh37 (hg19) VCF-style: chr18-3155074-T-G.
Other names: c.1514A>C, p.Glu505Ala (NM_019856.2); short protein forms E505A.
Identifiers: ClinVar variation 1440669 (VCV001440669.8), dbSNP rs777964604, ClinGen allele CA8874921.